The following is an entry in ClinVar:

NM_001846.4(COL4A2):c.5071G>A (p.Asp1691Asn)

Gene: COL4A2 (collagen type IV alpha 2 chain; plus strand). Cytogenetic location: 13q34.
Variant type: single nucleotide variant.
Coding change: c.5071G>A on transcript NM_001846.4 (MANE Select); coding-DNA position 5071, G replaced by A.
Protein change: p.Asp1691Asn; replaces aspartic acid 1691 with asparagine.
Molecular consequence: missense variant.
Genome position (GRCh38, 1-based): chr13:110,512,123, G>A. VCF-style: chr13-110512123-G-A. GRCh37 (hg19) VCF-style: chr13-111164470-G-A.
Other names: short protein forms D1691N.
Identifiers: ClinVar variation 4074800 (VCV004074800.2).

ClinVar aggregate classification (germline): Uncertain significance. Review status: criteria provided, multiple submitters, no conflicts (2 of 4 stars). 2 submissions from 2 submitters: Uncertain significance (2). Last evaluated 2025-02-10.

Conditions:
Hereditary ataxia. Also called: Hereditary Ataxias. Identifiers: Orphanet 183518, MedGen C0004138, MONDO:0100309, MONDO:0000557.

gnomAD v4.1: 11 of 1,613,354 alleles (0.00068%); highest among the groups gnomAD compares: East Asian, 0.0022%; no homozygotes.

Submissions (2):

Labcorp Genetics (formerly Invitae), Labcorp
Classification: Uncertain significance. Last evaluated: 2025-02-10. Review status: criteria provided, single submitter. Criteria: Invitae Variant Classification Sherloc (09022015). Collection method: clinical testing. Allele origin: germline.
Comment: This sequence change replaces aspartic acid, which is acidic and polar, with asparagine, which is neutral and polar, at codon 1691 of the COL4A2 protein (p.Asp1691Asn). This variant is present in population databases (rs751211461, gnomAD 0.003%). This variant has not been reported in the literature in individuals affected with COL4A2-related conditions. Invitae Evidence Modeling of protein sequence and biophysical properties (such as structural, functional, and spatial information, amino acid conservation, physicochemical variation, residue mobility, and thermodynamic stability) indicates that this missense variant is not expected to disrupt COL4A2 protein function with a negative predictive value of 80%. In summary, the available evidence is currently insufficient to determine the role of this variant in disease. Therefore, it has been classified as a Variant of Uncertain Significance.

Cambridge Genomics Laboratory, East Genomic Laboratory Hub, NHS Genomic Medicine Service
Classification: Uncertain significance for Hereditary ataxia. Last evaluated: 2020-04-29. Review status: criteria provided, single submitter. Criteria: ACGS Best Practice Guidelines for Variant Classification in Rare Disease 2020. Collection method: clinical testing. Allele origin: germline. Affected: yes. Observed: 1 variant allele.